The following is an entry in ClinVar:

ClinVar aggregate classification (germline): Uncertain significance. Review status: criteria provided, multiple submitters, no conflicts (2 of 4 stars). 2 submissions from 2 submitters: Uncertain significance (2). Last evaluated 2026-02-11.

Conditions:
Familial adenomatous polyposis 1 (FAP1). Also called: FAMILIAL ADENOMATOUS POLYPOSIS 1, ATTENUATED; POLYPOSIS, ADENOMATOUS INTESTINAL. Identifiers: MedGen C2713442, MONDO:0021056, OMIM 175100. Disease mechanism: loss of function.
Hereditary cancer-predisposing syndrome. Also called: Tumor predisposition; Neoplastic Syndromes, Hereditary; Hereditary Cancer Syndrome; Hereditary neoplastic syndrome. Identifiers: Orphanet 140162, MedGen C0027672, MeSH D009386, MONDO:0015356.

gnomAD v4.1: 2 of 1,613,974 alleles (0.00012%); highest among the groups gnomAD compares: African/African-American, 0.0013%; no homozygotes.

Submissions (2):

Ambry Genetics
Classification: Uncertain significance for Hereditary cancer-predisposing syndrome. Last evaluated: 2026-02-11. Review status: criteria provided, single submitter. Criteria: Ambry Variant Classification Scheme 2023. Collection method: clinical testing. Allele origin: germline.
Comment: The p.D1870G variant (also known as c.5609A>G), located in coding exon 15 of the APC gene, results from an A to G substitution at nucleotide position 5609. The aspartic acid at codon 1870 is replaced by glycine, an amino acid with similar properties. This amino acid position is well conserved in available vertebrate species. In addition, in silico predictors for this gene do not accurately predict pathogenicity. Based on the available evidence, the clinical significance of this variant remains unclear.

Labcorp Genetics (formerly Invitae), Labcorp
Classification: Uncertain significance for Familial adenomatous polyposis 1. Last evaluated: 2024-05-26. Review status: criteria provided, single submitter. Criteria: Invitae Variant Classification Sherloc (09022015). Collection method: clinical testing. Allele origin: germline.
Comment: This sequence change replaces aspartic acid, which is acidic and polar, with glycine, which is neutral and non-polar, at codon 1870 of the APC protein (p.Asp1870Gly). This variant is present in population databases (no rsID available, gnomAD 0.0009%). This variant has not been reported in the literature in individuals affected with APC-related conditions. Advanced modeling of protein sequence and biophysical properties (such as structural, functional, and spatial information, amino acid conservation, physicochemical variation, residue mobility, and thermodynamic stability) performed at Invitae indicates that this missense variant is not expected to disrupt APC protein function with a negative predictive value of 95%. In summary, the available evidence is currently insufficient to determine the role of this variant in disease. Therefore, it has been classified as a Variant of Uncertain Significance.

NM_000038.6(APC):c.5609A>G (p.Asp1870Gly)

Gene: APC (APC regulator of Wnt signaling pathway; plus strand). Cytogenetic location: 5q22.2.
Variant type: single nucleotide variant.
Coding change: c.5609A>G on transcript NM_000038.6 (MANE Select); coding-DNA position 5609, A replaced by G.
Protein change: p.Asp1870Gly; replaces aspartic acid 1870 with glycine.
Molecular consequence: missense variant. On other transcripts: non-coding transcript variant (2).
Genome position (GRCh38, 1-based): chr5:112,841,203, A>G. VCF-style: chr5-112841203-A-G. GRCh37 (hg19) VCF-style: chr5-112176900-A-G.
Other names: c.5609A>G (NM_000038.5); c.5534A>G, p.Asp1845Gly (NM_001354898.2); c.5525A>G, p.Asp1842Gly (NM_001354899.2); c.5486A>G, p.Asp1829Gly (NM_001354900.2); c.5432A>G, p.Asp1811Gly (NM_001354901.2, NM_001407453.1); c.5336A>G, p.Asp1779Gly (NM_001354902.2); c.5306A>G, p.Asp1769Gly (NM_001354903.2, NM_001407458.1, NM_001407459.1 and 1 more transcripts); c.5231A>G, p.Asp1744Gly (NM_001354904.2); and 12 more; short protein forms D1587G, D1741G, D1811G, D1842G, D1860G, D1898G, D1710G, D1779G.
Identifiers: ClinVar variation 2779341 (VCV002779341.4), dbSNP rs1189738231, ClinGen allele CA16033608.
Genomic context (GRCh38, chr5:112,841,203, plus strand): 5'-AAGGAACTCCTTACTGTTTTTCACGAAATGATTCTTTGAGTTCTCTAGATTTTGATGATG[A>G]TGATGTTGACCTTTCCAGGGAAAAGGCTGAATTAAGAAAGGCAAAAGAAAATAAGGAATC-3'
Protein context (NP_000029.2, residues 1860-1880): DSLSSLDFDD[Asp1870Gly]DVDLSREKAE